The following is an entry in ClinVar:

ClinVar aggregate classification (germline): Uncertain significance (1 of 4 stars; one submission).

Conditions:
EGFR-related lung cancer (EGFR). Identifiers: MedGen CN130014.

Allele frequency attached by ClinVar (database versions not stated): gnomAD 0.00002; ESP Exome Variant Server 0.00008.
gnomAD v4.1: 3 of 1,614,120 alleles (0.00019%); highest among the groups gnomAD compares: African/African-American, 0.004%; no homozygotes.

Submission:

Labcorp Genetics (formerly Invitae), Labcorp
Classification: Uncertain significance for EGFR-related lung cancer. Last evaluated: 2025-09-01. Review status: criteria provided, single submitter. Criteria: Invitae Variant Classification Sherloc (09022015). Collection method: clinical testing. Allele origin: germline.
Comment: This sequence change replaces proline, which is neutral and non-polar, with threonine, which is neutral and polar, at codon 794 of the EGFR protein (p.Pro794Thr). This variant is not present in population databases (gnomAD no frequency). This variant has not been reported in the literature in individuals affected with EGFR-related conditions. ClinVar contains an entry for this variant (Variation ID: 1392237). Invitae Evidence Modeling of protein sequence and biophysical properties (such as structural, functional, and spatial information, amino acid conservation, physicochemical variation, residue mobility, and thermodynamic stability) indicates that this missense variant is not expected to disrupt EGFR protein function with a negative predictive value of 80%. In summary, the available evidence is currently insufficient to determine the role of this variant in disease. Therefore, it has been classified as a Variant of Uncertain Significance.

NM_005228.5(EGFR):c.2380C>A (p.Pro794Thr)

Genes: EGFR (epidermal growth factor receptor; plus strand), EGFR-AS1 (EGFR antisense RNA 1; minus strand). Cytogenetic location: 7p11.2.
Variant type: single nucleotide variant.
Coding change: c.2380C>A on transcript NM_005228.5 (MANE Select); coding-DNA position 2380, C replaced by A.
Protein change: p.Pro794Thr; replaces proline 794 with threonine.
Molecular consequence: missense variant. On other transcripts: non-coding transcript variant (1).
Genome position (GRCh38, 1-based): chr7:55,181,389, C>A. VCF-style: chr7-55181389-C-A. GRCh37 (hg19) VCF-style: chr7-55249082-C-A.
Other names: c.2245C>A, p.Pro749Thr (NM_001346897.2, NM_001346899.2); c.2380C>A, p.Pro794Thr (NM_001346898.2); c.2221C>A, p.Pro741Thr (NM_001346900.2); c.1579C>A, p.Pro527Thr (NM_001346941.2); short protein forms P749T, P741T, P794T, P527T.
Identifiers: ClinVar variation 1392237 (VCV001392237.8), dbSNP rs370289230, ClinGen allele CA158928547.